The following is an entry in ClinVar:

NM_015001.3(SPEN):c.6271G>C (p.Ala2091Pro)

Gene: SPEN (spen family transcriptional repressor; plus strand). Cytogenetic location: 1p36.13.
Variant type: single nucleotide variant.
Coding change: c.6271G>C on transcript NM_015001.3 (MANE Select); coding-DNA position 6271, G replaced by C.
Protein change: p.Ala2091Pro; replaces alanine 2091 with proline.
Molecular consequence: missense variant.
Genome position (GRCh38, 1-based): chr1:15,932,511, G>C. VCF-style: chr1-15932511-G-C. GRCh37 (hg19) VCF-style: chr1-16259006-G-C.
Other names: short protein forms A2091P.
Identifiers: ClinVar variation 4733569 (VCV004733569.1).

ClinVar aggregate classification (germline): Uncertain significance (1 of 4 stars; one submission).

Submission:

Labcorp Genetics (formerly Invitae), Labcorp
Classification: Uncertain significance. Last evaluated: 2025-12-18. Review status: criteria provided, single submitter. Criteria: Invitae Variant Classification Sherloc (09022015). Collection method: clinical testing. Allele origin: germline.
Comment: This sequence change replaces alanine, which is neutral and non-polar, with proline, which is neutral and non-polar, at codon 2091 of the SPEN protein (p.Ala2091Pro). This variant is not present in population databases (gnomAD no frequency). This variant has not been reported in the literature in individuals affected with SPEN-related conditions. An algorithm developed to predict the effect of missense changes on protein structure and function (PolyPhen-2) suggests that this variant is likely to be disruptive. In summary, the available evidence is currently insufficient to determine the role of this variant in disease. Therefore, it has been classified as a Variant of Uncertain Significance.